The following is an entry in ClinVar:

NM_006074.5(TRIM22):c.463G>A (p.Asp155Asn)

Gene: TRIM22 (tripartite motif containing 22; plus strand). Cytogenetic location: 11p15.4.
Variant type: single nucleotide variant.
Coding change: c.463G>A on transcript NM_006074.5 (MANE Select); coding-DNA position 463, G replaced by A.
Protein change: p.Asp155Asn; replaces aspartic acid 155 with asparagine.
Molecular consequence: missense variant.
Genome position (GRCh38, 1-based): chr11:5,697,287, G>A. VCF-style: chr11-5697287-G-A. GRCh37 (hg19) VCF-style: chr11-5718517-G-A.
Other names: p.Asp155Asn; c.463G>A, p.Asp155Asn (NM_001199573.2); short protein forms D155N.
Identifiers: ClinVar variation 2687980 (VCV002687980.3), dbSNP rs7935564, ClinGen allele CA5845790.

ClinVar aggregate classification (germline): Benign. Review status: criteria provided, multiple submitters, no conflicts (2 of 4 stars). 2 submissions from 2 submitters: Benign (2). Last evaluated 2024-01-24.

Allele frequency attached by ClinVar (database versions not stated): 1000 Genomes Project 0.45707; TOPMed 0.53123; ESP Exome Variant Server 0.56559; gnomAD exomes 0.57434; gnomAD 0.54095; 1000 Genomes Project 30x 0.45878; ExAC 0.53289.
gnomAD v4.1: 919,380 of 1,610,936 alleles (57%); highest among the groups gnomAD compares: Middle Eastern, 60%; 268,239 homozygotes.

Submissions (2):

Unidad de Genómica Garrahan, Hospital de Pediatría Garrahan
Classification: Benign. Last evaluated: 2024-01-24. Review status: criteria provided, single submitter. Criteria: ACMG Guidelines, 2015. Collection method: clinical testing. Allele origin: germline. Affected: no. Observed: 76 variant alleles.
Comment: This variant is classified as Benign based on local population frequency. This variant was detected in 80% of patients studied by a panel of primary immunodeficiencies. Number of patients: 76. Only high quality variants are reported.

Mayo Clinic Laboratories, Mayo Clinic
Classification: Benign. Last evaluated: 2023-09-14. Review status: criteria provided, single submitter. Criteria: ACMG Guidelines, 2015. Collection method: clinical testing. Allele origin: germline. Observed: 72 variant alleles.
Comment: BA1, BP4